The following is an entry in ClinVar:

NM_182961.4(SYNE1):c.19951A>C (p.Ile6651Leu)

Gene: SYNE1 (spectrin repeat containing nuclear envelope protein 1; minus strand). Cytogenetic location: 6q25.2.
Variant type: single nucleotide variant.
Coding change: c.19951A>C on transcript NM_182961.4 (MANE Select); coding-DNA position 19951, A replaced by C.
Protein change: p.Ile6651Leu; replaces isoleucine 6651 with leucine.
Molecular consequence: missense variant.
Genome position (GRCh38, 1-based): chr6:152,239,649, T>G on the plus strand (A>C on the coding strand, the complement: SYNE1 is on the minus strand). VCF-style: chr6-152239649-T-G. GRCh37 (hg19) VCF-style: chr6-152560784-T-G.
Other names: c.19738A>C, p.Ile6580Leu (NM_033071.5); short protein forms I6651L, I6580L.
Identifiers: ClinVar variation 1903953 (VCV001903953.5), dbSNP rs2085083083, ClinGen allele CA366126725.
Genomic context (GRCh38, chr6:152,239,649, plus strand): 5'-AAGCCTGAGCCATCAGCTCTGTATGGAACTGGGTTTCCTTTTGGACTGCAAAGCTGATTA[T>G]CTTTCTGAAGAGTGTTTCAGTCAAGATCATATGAGATTCCAGGCCCTGAAAGTATTCCTG-3'
Protein context (NP_892006.3, residues 6641-6661): MILTETLFRK[Ile6651Leu]ISFAVQKETQ

ClinVar aggregate classification (germline): Uncertain significance (1 of 4 stars; one submission).

Conditions:
Emery-Dreifuss muscular dystrophy 4, autosomal dominant (EDMD4). Also called: EMERY-DREIFUSS MUSCULAR DYSTROPHY 4 WITH VARIABLE FEATURES. Identifiers: Orphanet 261, MedGen C2751807, MONDO:0013071, OMIM 612998.
Autosomal recessive ataxia, Beauce type. Also called: SYNE1-Related Autosomal Recessive Cerebellar Ataxia; SYNE1 Deficiency; Spinocerebellar ataxia, autosomal recessive 8; ATAXIA, RECESSIVE, OF BEAUCE. Identifiers: Orphanet 88644, MedGen C1853116, MONDO:0012549, OMIM 610743.

Allele frequency attached by ClinVar (database versions not stated): gnomAD 0.00001.
gnomAD v4.1: 1 of 1,614,134 alleles (0.000062%); highest among the groups gnomAD compares: African/African-American, 0.0013%; no homozygotes.

Submission:

Labcorp Genetics (formerly Invitae), Labcorp
Classification: Uncertain significance for Emery-Dreifuss muscular dystrophy 4, autosomal dominant; Autosomal recessive ataxia, Beauce type. Last evaluated: 2022-03-13. Review status: criteria provided, single submitter. Criteria: Invitae Variant Classification Sherloc (09022015). Collection method: clinical testing. Allele origin: germline.
Comment: In summary, the available evidence is currently insufficient to determine the role of this variant in disease. Therefore, it has been classified as a Variant of Uncertain Significance. Algorithms developed to predict the effect of missense changes on protein structure and function (SIFT, PolyPhen-2, Align-GVGD) all suggest that this variant is likely to be tolerated. This variant has not been reported in the literature in individuals affected with SYNE1-related conditions. This variant is not present in population databases (gnomAD no frequency). This sequence change replaces isoleucine, which is neutral and non-polar, with leucine, which is neutral and non-polar, at codon 6580 of the SYNE1 protein (p.Ile6580Leu).